The following is an entry in ClinVar:

NM_199420.4(POLQ):c.6083G>A (p.Gly2028Glu)

Gene: POLQ (DNA polymerase theta; minus strand). Cytogenetic location: 3q13.33.
Variant type: single nucleotide variant.
Coding change: c.6083G>A on transcript NM_199420.4 (MANE Select); coding-DNA position 6083, G replaced by A.
Protein change: p.Gly2028Glu; replaces glycine 2028 with glutamic acid.
Molecular consequence: missense variant.
Genome position (GRCh38, 1-based): chr3:121,481,700, C>T on the plus strand (G>A on the coding strand, the complement: POLQ is on the minus strand). VCF-style: chr3-121481700-C-T. GRCh37 (hg19) VCF-style: chr3-121200547-C-T.
Other names: short protein forms G2028E.
Identifiers: ClinVar variation 1751463 (VCV001751463.2), dbSNP rs758135061, ClinGen allele CA354087904.

ClinVar aggregate classification (germline): Uncertain significance (1 of 4 stars; one submission).

Allele frequency attached by ClinVar (database versions not stated): gnomAD exomes below 0.00001.
gnomAD v4.1: 1 of 1,614,124 alleles (0.000062%); highest among the groups gnomAD compares: South Asian, 0.0011%; no homozygotes.

Submission:

Ambry Genetics
Classification: Uncertain significance. Last evaluated: 2021-06-23. Review status: criteria provided, single submitter. Criteria: Ambry Variant Classification Scheme 2023. Collection method: clinical testing. Allele origin: germline.
Comment: The p.G2028E variant (also known as c.6083G>A), located in coding exon 19 of the POLQ gene, results from a G to A substitution at nucleotide position 6083. The glycine at codon 2028 is replaced by glutamic acid, an amino acid with similar properties. This amino acid position is conserved. In addition, the in silico prediction for this alteration is inconclusive. Since supporting evidence is limited at this time, the clinical significance of this alteration remains unclear.